The following is an entry in ClinVar:

NM_005120.3(MED12):c.188G>C (p.Ser63Thr)

Gene: MED12 (mediator complex subunit 12; plus strand). Cytogenetic location: Xq13.1.
Variant type: single nucleotide variant.
Coding change: c.188G>C on transcript NM_005120.3 (MANE Select); coding-DNA position 188, G replaced by C.
Protein change: p.Ser63Thr; replaces serine 63 with threonine.
Molecular consequence: missense variant.
Genome position (GRCh38, 1-based): chrX:71,119,461, G>C. VCF-style: chrX-71119461-G-C. GRCh37 (hg19) VCF-style: chrX-70339311-G-C.
Other names: short protein forms S63T.
Identifiers: ClinVar variation 3224570 (VCV003224570.1), dbSNP rs2092284023, ClinGen allele CA413498876.

ClinVar aggregate classification (germline): Uncertain significance (1 of 4 stars; one submission).

Conditions:
Familial thoracic aortic aneurysm and aortic dissection (TAAD). Also called: Thoracic aortic aneurysms and dissections. Identifiers: Orphanet 91387, MedGen C4707243, MONDO:0019625.

Allele frequency attached by ClinVar (database versions not stated): TOPMed below 0.00001.

Submission:

Ambry Genetics
Classification: Uncertain significance for Familial thoracic aortic aneurysm and aortic dissection. Last evaluated: 2023-11-13. Review status: criteria provided, single submitter. Criteria: Ambry Variant Classification Scheme 2023. Collection method: clinical testing. Allele origin: germline.
Comment: The p.S63T variant (also known as c.188G>C), located in coding exon 2 of the MED12 gene, results from a G to C substitution at nucleotide position 188. The serine at codon 63 is replaced by threonine, an amino acid with similar properties. This amino acid position is conserved. In addition, this alteration is predicted to be tolerated by in silico analysis. Since supporting evidence is limited at this time, the clinical significance of this alteration remains unclear.